The following is an entry in ClinVar:

ClinVar aggregate classification (germline): Likely benign. Review status: criteria provided, single submitter (1 of 4 stars). 2 submissions from 2 submitters: Likely benign (1). 1 of the submissions does not count toward it. Last evaluated 2022-04-06.

Conditions:
CREBBP-related disorder. Also called: CREBBP-related disorders; CREBBP-related condition.
Rubinstein-Taybi syndrome (RSTS). Identifiers: Orphanet 783, MedGen C0035934, MONDO:0019188.

Allele frequency attached by ClinVar (database versions not stated): ExAC 0.00004; 1000 Genomes Project 0.00020; 1000 Genomes Project 30x 0.00031; gnomAD 0.00001.
gnomAD v4.1: 13 of 1,613,832 alleles (0.00081%); highest among the groups gnomAD compares: Admixed American, 0.0017%; no homozygotes.

Submissions (2):

Labcorp Genetics (formerly Invitae), Labcorp
Classification: Likely benign for Rubinstein-Taybi syndrome. Last evaluated: 2022-04-06. Review status: criteria provided, single submitter. Criteria: Invitae Variant Classification Sherloc (09022015). Collection method: clinical testing. Allele origin: germline.

PreventionGenetics, part of Exact Sciences
Classification: Likely benign for CREBBP-related condition. Last evaluated: 2021-08-25. Review status: no assertion criteria provided. Collection method: clinical testing. Allele origin: germline. Not counted in ClinVar's aggregate classification.
Comment: This variant is classified as likely benign based on ACMG/AMP sequence variant interpretation guidelines (Richards et al. 2015 PMID: 25741868, with internal and published modifications).

NM_004380.3(CREBBP):c.5010C>T (p.Leu1670=)

Gene: CREBBP (CREB binding lysine acetyltransferase; minus strand). Cytogenetic location: 16p13.3.
Variant type: single nucleotide variant.
Coding change: c.5010C>T on transcript NM_004380.3 (MANE Select); coding-DNA position 5010, C replaced by T.
Protein change: p.Leu1670=; no amino-acid change (leucine 1670 retained).
Molecular consequence: synonymous variant.
Genome position (GRCh38, 1-based): chr16:3,731,354, G>A on the plus strand (C>T on the coding strand, the complement: CREBBP is on the minus strand). VCF-style: chr16-3731354-G-A. GRCh37 (hg19) VCF-style: chr16-3781355-G-A.
Other names: c.4896C>T, p.Leu1632= (NM_001079846.1); c.5010C>T (NM_004380.2).
Identifiers: ClinVar variation 2164429 (VCV002164429.6), dbSNP rs62037853, ClinGen allele CA7869362.